The following is an entry in ClinVar:

ClinVar aggregate classification (germline): Uncertain significance. Review status: criteria provided, multiple submitters, no conflicts (2 of 4 stars). 2 submissions from 2 submitters: Uncertain significance (2). Last evaluated 2024-11-14.

Conditions:
Inborn genetic diseases. Identifiers: MedGen C0950123, MeSH D030342.
Methylcobalamin deficiency type cblE (HMAE). Also called: HOMOCYSTINURIA-MEGALOBLASTIC ANEMIA, cblE COMPLEMENTATION TYPE; HOMOCYSTINURIA-MEGALOBLASTIC ANEMIA, cblE TYPE; VITAMIN B12-RESPONSIVE HOMOCYSTINURIA, cblE TYPE. Identifiers: Orphanet 2169, Orphanet 622, MedGen C1856057, MONDO:0009354, OMIM 236270.

Allele frequency attached by ClinVar (database versions not stated): ExAC 0.00002; gnomAD exomes 0.00002; TOPMed 0.00002.
gnomAD v4.1: 27 of 1,614,154 alleles (0.0017%); highest among the groups gnomAD compares: Non-Finnish European, 0.0021%; no homozygotes.

Submissions (2):

Ambry Genetics
Classification: Uncertain significance for Inborn genetic diseases. Last evaluated: 2024-11-14. Review status: criteria provided, single submitter. Criteria: Ambry Variant Classification Scheme 2023. Collection method: clinical testing. Allele origin: germline.

Labcorp Genetics (formerly Invitae), Labcorp
Classification: Uncertain significance for Methylcobalamin deficiency type cblE. Last evaluated: 2022-08-21. Review status: criteria provided, single submitter. Criteria: Invitae Variant Classification Sherloc (09022015). Collection method: clinical testing. Allele origin: germline.
Comment: This sequence change replaces glutamine, which is neutral and polar, with arginine, which is basic and polar, at codon 557 of the MTRR protein (p.Gln557Arg). This variant is present in population databases (rs765859795, gnomAD 0.004%). This variant has not been reported in the literature in individuals affected with MTRR-related conditions. Algorithms developed to predict the effect of missense changes on protein structure and function (SIFT, PolyPhen-2, Align-GVGD) all suggest that this variant is likely to be tolerated. In summary, the available evidence is currently insufficient to determine the role of this variant in disease. Therefore, it has been classified as a Variant of Uncertain Significance.

NM_002454.3(MTRR):c.1670A>G (p.Gln557Arg)

Gene: MTRR (5-methyltetrahydrofolate-homocysteine methyltransferase reductase; plus strand). Cytogenetic location: 5p15.31.
Variant type: single nucleotide variant.
Coding change: c.1670A>G on transcript NM_002454.3 (MANE Select); coding-DNA position 1670, A replaced by G.
Protein change: p.Gln557Arg; replaces glutamine 557 with arginine.
Molecular consequence: missense variant. On other transcripts: non-coding transcript variant (14).
Genome position (GRCh38, 1-based): chr5:7,895,846, A>G. VCF-style: chr5-7895846-A-G. GRCh37 (hg19) VCF-style: chr5-7895959-A-G.
Other names: c.1670A>G (NM_002454.2); c.1670A>G, p.Gln557Arg (NM_001364440.2, NM_001364441.2, NM_001364442.2 and 1 more transcripts); short protein forms Q557R.
Identifiers: ClinVar variation 1957080 (VCV001957080.3), dbSNP rs765859795, ClinGen allele CA3196008.